The following is an entry in ClinVar:

NM_000179.3(MSH6):c.1353C>A (p.Phe451Leu)

Gene: MSH6 (mutS homolog 6; plus strand). Cytogenetic location: 2p16.3.
Variant type: single nucleotide variant.
Coding change: c.1353C>A on transcript NM_000179.3 (MANE Select); coding-DNA position 1353, C replaced by A.
Protein change: p.Phe451Leu; replaces phenylalanine 451 with leucine.
Molecular consequence: missense variant.
Genome position (GRCh38, 1-based): chr2:47,799,336, C>A. VCF-style: chr2-47799336-C-A. GRCh37 (hg19) VCF-style: chr2-48026475-C-A.
Other names: c.963C>A, p.Phe321Leu (NM_001281492.2); c.447C>A, p.Phe149Leu (NM_001281493.2, NM_001281494.2); short protein forms F451L, F149L, F321L.
Identifiers: ClinVar variation 818962 (VCV000818962.5), dbSNP rs1572722687, ClinGen allele CA346744681.

ClinVar aggregate classification (germline): Uncertain significance (1 of 4 stars; one submission).

Conditions:
Hereditary cancer-predisposing syndrome. Also called: Tumor predisposition; Hereditary neoplastic syndrome; Neoplastic Syndromes, Hereditary; Hereditary Cancer Syndrome. Identifiers: Orphanet 140162, MedGen C0027672, MeSH D009386, MONDO:0015356.

Submission:

Ambry Genetics
Classification: Uncertain significance for Hereditary cancer-predisposing syndrome. Last evaluated: 2025-07-28. Review status: criteria provided, single submitter. Criteria: Ambry Variant Classification Scheme 2023. Collection method: clinical testing. Allele origin: germline.
Comment: The p.F451L variant (also known as c.1353C>A), located in coding exon 4 of the MSH6 gene, results from a C to A substitution at nucleotide position 1353. The phenylalanine at codon 451 is replaced by leucine, an amino acid with highly similar properties. This amino acid position is highly conserved in available vertebrate species. In addition, this alteration is predicted to be deleterious by in silico analysis. Based on the available evidence, the clinical significance of this variant remains unclear.